The following is an entry in ClinVar:

ClinVar aggregate classification (germline): Pathogenic (1 of 4 stars; one submission).

Conditions:
Ehlers-Danlos syndrome due to tenascin-X deficiency (EDSCLL1). Also called: EHLERS-DANLOS SYNDROME, CLASSIC-LIKE; Ehlers-Danlos syndrome, classic-like, 1; TNXB-Related Classical-Like Ehlers-Danlos Syndrome; EDS DUE TO TNX DEFICIENCY; TNX DEFICIENCY. Identifiers: Orphanet 230839, MedGen C1848029, MONDO:0011670, OMIM 606408.

Submission:

Women's Health and Genetics/Laboratory Corporation of America, LabCorp
Classification: Pathogenic for Ehlers-Danlos syndrome due to tenascin-X deficiency. Last evaluated: 2026-03-11. Review status: criteria provided, single submitter. Criteria: LabCorp Variant Classification Summary - May 2015. Collection method: clinical testing. Allele origin: germline.
Comment: Variant summary: TNXB c.8888_8889delCT (p.Pro2963ArgfsX78) results in a premature termination codon, predicted to cause a truncation of the encoded protein or absence of the protein due to nonsense mediated decay, which are commonly known mechanisms for disease. The variant was absent in 244030 control chromosomes. To our knowledge, no occurrence of c.8888_8889delCT in individuals affected with TNXB-related conditions and no experimental evidence demonstrating its impact on protein function have been reported. No submitters have cited clinical-significance assessments for this variant to ClinVar. Based on the evidence outlined above, the variant was classified as pathogenic.

NM_001365276.2(TNXB):c.8894_8895del (p.Pro2965fs)

Gene: TNXB (tenascin XB; minus strand). Cytogenetic location: 6p21.33.
Variant type: Deletion.
Coding change: c.8894_8895del on transcript NM_001365276.2 (MANE Select); coding-DNA positions 8894 to 8895, 2 bases deleted (CT; older notation c.8894_8895delCT).
Protein change: p.Pro2965fs; shifts the reading frame from proline 2965.
Molecular consequence: frameshift variant.
Genome position (GRCh38, 1-based): chr6:32,052,890-32,052,891, AG deleted on the plus strand (CT on the coding strand, the reverse complement: TNXB is on the minus strand). VCF-style (leftmost placement, unchanged base first): chr6-32052889-CAG-C. GRCh37 (hg19) VCF-style: chr6-32020666-CAG-C.
Other names: c.9635_9636del, p.Pro3212fs (NM_001428335.1); c.8888_8889del, p.Pro2963fs (NM_019105.8); c.8888_8889delCT (NM_019105.8); short protein forms P2963fs, P2965fs, P3212fs.
Identifiers: ClinVar variation 4847328 (VCV004847328.1).